The following is an entry in ClinVar:

NM_003846.3(PEX11B):c.555A>G (p.Gln185=)

Gene: PEX11B (peroxisomal biogenesis factor 11 beta; minus strand). Cytogenetic location: 1q21.1.
Variant type: single nucleotide variant.
Coding change: c.555A>G on transcript NM_003846.3 (MANE Select); coding-DNA position 555, A replaced by G.
Protein change: p.Gln185=; no amino-acid change (glutamine 185 retained).
Molecular consequence: synonymous variant. On other transcripts: non-coding transcript variant (3).
Genome position (GRCh38, 1-based): chr1:145,912,386, T>C on the plus strand (A>G on the coding strand, the complement: PEX11B is on the minus strand). VCF-style: chr1-145912386-T-C. GRCh37 (hg19) VCF-style: chr1-145522694-A-G.
Other names: c.513A>G, p.Gln171= (NM_001184795.1); c.555A>G (NM_003846.2).
Identifiers: ClinVar variation 1109140 (VCV001109140.12), dbSNP rs782128158, ClinGen allele CA1055628.
Genomic context (GRCh38, chr1:145,912,386, plus strand): 5'-GGGATGACCTCTAAGGACTCGAGCCAGGAGCAGGACTTGCAGCCGAAGTTTCAGAGCCAG[T>C]TGGGGCAGACCTCCTCCTGGAGTCCCTGGTCCCCCAAGTCCCCCAGTTTCACTTCCTCCT-3'
Protein context (NP_003837.1, residues 175-195): GPGTPGGGLP[Gln185=]LALKLRLQVL

ClinVar aggregate classification (germline): Likely benign. Review status: criteria provided, multiple submitters, no conflicts (2 of 4 stars). 3 submissions from 3 submitters: Likely benign (2). 1 of the submissions does not count toward it. Last evaluated 2025-11-17.

Conditions:
PEX11B-related disorder. Also called: PEX11B-related condition.

Allele frequency attached by ClinVar (database versions not stated): TOPMed below 0.00001; ExAC 0.00001; gnomAD 0.00001; gnomAD exomes 0.00001 and 0.00002.

Submissions (3):

Labcorp Genetics (formerly Invitae), Labcorp
Classification: Likely benign. Last evaluated: 2025-11-17. Review status: criteria provided, single submitter. Criteria: Invitae Variant Classification Sherloc (09022015). Collection method: clinical testing. Allele origin: germline.

Blueprint Genetics
Classification: Likely benign. Last evaluated: 2024-03-27. Review status: criteria provided, single submitter. Criteria: ACMG Guidelines, 2015. Collection method: clinical testing. Allele origin: germline.

PreventionGenetics, part of Exact Sciences
Classification: Likely benign for PEX11B-related condition. Last evaluated: 2021-10-06. Review status: no assertion criteria provided. Collection method: clinical testing. Allele origin: germline. Not counted in ClinVar's aggregate classification.
Comment: This variant is classified as likely benign based on ACMG/AMP sequence variant interpretation guidelines (Richards et al. 2015 PMID: 25741868, with internal and published modifications).